The following is an entry in ClinVar:

NM_006231.4(POLE):c.-9A>G

Genes: POLE (DNA polymerase epsilon, catalytic subunit; minus strand), LOC130009266 (ATAC-STARR-seq lymphoblastoid silent region 5123; plus strand). Cytogenetic location: 12q24.33.
Variant type: single nucleotide variant.
Coding change: c.-9A>G on transcript NM_006231.4 (MANE Select); 9 bases upstream of the start codon, A replaced by G.
Molecular consequence: 5 prime UTR variant.
Genome position (GRCh38, 1-based): chr12:132,687,324, T>C on the plus strand (A>G on the coding strand, the complement: POLE is on the minus strand). VCF-style: chr12-132687324-T-C. GRCh37 (hg19) VCF-style: chr12-133263910-T-C.
Identifiers: ClinVar variation 512346 (VCV000512346.2), dbSNP rs1555231441, ClinGen allele CA658798004.
Genomic context (GRCh38, chr12:132,687,324, plus strand): 5'-CGCCATCCGCGCCTGGGTCCGCGCGCCGCCGCCCGCCGCTCCTCAGAGACATGGAGCCGT[T>C]GGCTACCACCTCTGCTTCAGGGGAGAAATTTGGCGCGCTCCCACCCAGACTCGCGAGAGC-3'

ClinVar aggregate classification (germline): Conflicting classifications of pathogenicity. Review status: criteria provided, conflicting classifications (1 of 4 stars). 2 submissions from 2 submitters: Uncertain significance (1); Likely benign (1). Last evaluated 2022-10-28.

Conditions:
Polymerase proofreading-related adenomatous polyposis. Also called: Polymerase proofreading associated polyposis; Polymerase proofreading–associated polyposis (PPAP). Identifiers: MedGen C5202613, MONDO:0018653, Orphanet 447877.

Allele frequency attached by ClinVar (database versions not stated): gnomAD below 0.00001 and 0.00001.
gnomAD v4.1: 2 of 1,498,676 alleles (0.00013%); highest among the groups gnomAD compares: South Asian, 0.0025%; no homozygotes.

Submissions (2):

Department of Pathology and Laboratory Medicine, Sinai Health System
Classification: Uncertain significance for Polymerase proofreading-related adenomatous polyposis. Last evaluated: 2022-10-28. Review status: criteria provided, single submitter. Criteria: ACMG Guidelines, 2015. Collection method: clinical testing. Allele origin: germline. Affected: yes.

GeneDx
Classification: Likely benign. Last evaluated: 2017-09-22. Review status: criteria provided, single submitter. Criteria: GeneDx Variant Classification (06012015). Collection method: clinical testing. Allele origin: germline. Affected: yes.
Comment: This variant is considered likely benign or benign based on one or more of the following criteria: it is a conservative change, it occurs at a poorly conserved position in the protein, it is predicted to be benign by multiple in silico algorithms, and/or has population frequency not consistent with disease.